The following is an entry in ClinVar:

ClinVar aggregate classification (germline): Uncertain significance (0 of 4 stars; one submission).

Conditions:
PCNT-related disorder. Also called: PCNT-related condition.

Submission:

PreventionGenetics, part of Exact Sciences
Classification: Uncertain significance for PCNT-related condition. Last evaluated: 2024-09-25. Review status: no assertion criteria provided. Collection method: clinical testing. Allele origin: germline.
Comment: The PCNT c.7100C>A variant is predicted to result in the amino acid substitution p.Thr2367Asn. To our knowledge, this variant has not been reported in the literature or in a large population database, indicating this variant is rare. At this time, the clinical significance of this variant is uncertain due to the absence of conclusive functional and genetic evidence.

NM_006031.6(PCNT):c.7100C>A (p.Thr2367Asn)

Gene: PCNT (pericentrin; plus strand). Cytogenetic location: 21q22.3.
Variant type: single nucleotide variant.
Coding change: c.7100C>A on transcript NM_006031.6 (MANE Select); coding-DNA position 7100, C replaced by A.
Protein change: p.Thr2367Asn; replaces threonine 2367 with asparagine.
Molecular consequence: missense variant.
Genome position (GRCh38, 1-based): chr21:46,422,045, C>A. VCF-style: chr21-46422045-C-A. GRCh37 (hg19) VCF-style: chr21-47841959-C-A.
Other names: c.6746C>A, p.Thr2249Asn (NM_001315529.2); short protein forms T2249N, T2367N.
Identifiers: ClinVar variation 3346503 (VCV003346503.1).
Genomic context (GRCh38, chr21:46,422,045, plus strand): 5'-TTGGAGCAAGACTGAGCCCGGGGTCAGGAGGCCCTGAGGCTCAAACTGCTGGTCCTGTGA[C>A]CCCTGCTTCCATCTCTGGAAGGTTTCAGCCGCTGCCGGAAGCCATGAAGGAGAAGGAAGT-3'
Protein context (NP_006022.3, residues 2357-2377): GPEAQTAGPV[Thr2367Asn]PASISGRFQP